The following is an entry in ClinVar:

NM_033026.6(PCLO):c.5414A>G (p.Lys1805Arg)

Gene: PCLO (piccolo presynaptic cytomatrix protein; minus strand). Cytogenetic location: 7q21.11.
Variant type: single nucleotide variant.
Coding change: c.5414A>G on transcript NM_033026.6 (MANE Select); coding-DNA position 5414, A replaced by G.
Protein change: p.Lys1805Arg; replaces lysine 1805 with arginine.
Molecular consequence: missense variant.
Genome position (GRCh38, 1-based): chr7:82,955,539, T>C on the plus strand (A>G on the coding strand, the complement: PCLO is on the minus strand). VCF-style: chr7-82955539-T-C. GRCh37 (hg19) VCF-style: chr7-82584855-T-C.
Other names: c.5414A>G, p.Lys1805Arg (NM_014510.3); short protein forms K1805R.
Identifiers: ClinVar variation 1470999 (VCV001470999.6), dbSNP rs2115565963, ClinGen allele CA367924313.

ClinVar aggregate classification (germline): Uncertain significance (1 of 4 stars; one submission).

Submission:

Labcorp Genetics (formerly Invitae), Labcorp
Classification: Uncertain significance. Last evaluated: 2021-11-24. Review status: criteria provided, single submitter. Criteria: Invitae Variant Classification Sherloc (09022015). Collection method: clinical testing. Allele origin: germline.
Comment: In summary, the available evidence is currently insufficient to determine the role of this variant in disease. Therefore, it has been classified as a Variant of Uncertain Significance. Algorithms developed to predict the effect of missense changes on protein structure and function output the following: SIFT: "Tolerated"; PolyPhen-2: "Not Available"; Align-GVGD: "Class C0". The arginine amino acid residue is found in multiple mammalian species, which suggests that this missense change does not adversely affect protein function. This variant has not been reported in the literature in individuals affected with PCLO-related conditions. This variant is not present in population databases (gnomAD no frequency). This sequence change replaces lysine, which is basic and polar, with arginine, which is basic and polar, at codon 1805 of the PCLO protein (p.Lys1805Arg).